The following is an entry in ClinVar:

ClinVar aggregate classification (germline): Benign. Review status: criteria provided, multiple submitters, no conflicts (2 of 4 stars). 5 submissions from 5 submitters: Benign (5). Last evaluated 2026-02-03.

Conditions:
Leukodystrophy, hypomyelinating, 9. Identifiers: Orphanet 438114, MedGen C4015323, MONDO:0014506, OMIM 616140.

Allele frequency attached by ClinVar (database versions not stated): ExAC 0.67711; gnomAD exomes 0.67996; gnomAD 0.72554; ESP Exome Variant Server 0.72766; TOPMed 0.75673; 1000 Genomes Project 0.78415; 1000 Genomes Project 30x 0.79216.
gnomAD v4.1: 1,046,218 of 1,613,762 alleles (65%); highest among the groups gnomAD compares: African/African-American, 94%; 346,110 homozygotes.

Submissions (5):

Labcorp Genetics (formerly Invitae), Labcorp
Classification: Benign. Last evaluated: 2026-02-03. Review status: criteria provided, single submitter. Criteria: Invitae Variant Classification Sherloc (09022015). Collection method: clinical testing. Allele origin: germline.

Blueprint Genetics
Classification: Benign. Last evaluated: 2024-11-26. Review status: criteria provided, single submitter. Criteria: ACMG Guidelines, 2015. Collection method: clinical testing. Allele origin: germline.

Mayo Clinic Laboratories, Mayo Clinic
Classification: Benign. Last evaluated: 2022-10-27. Review status: criteria provided, single submitter. Criteria: ACMG Guidelines, 2015. Collection method: clinical testing. Allele origin: germline. Observed: 891 variant alleles.

Genome-Nilou Lab
Classification: Benign for Leukodystrophy, hypomyelinating, 9. Last evaluated: 2021-11-07. Review status: criteria provided, single submitter. Criteria: ACMG Guidelines, 2015. Collection method: clinical testing. Allele origin: germline. Affected: no.

GeneDx
Classification: Benign. Last evaluated: 2015-12-02. Review status: criteria provided, single submitter. Criteria: GeneDx Variant Classification (06012015). Collection method: clinical testing. Allele origin: germline. Affected: yes.
Comment: This variant is considered likely benign or benign based on one or more of the following criteria: it is a conservative change, it occurs at a poorly conserved position in the protein, it is predicted to be benign by multiple in silico algorithms, and/or has population frequency not consistent with disease.

NM_002887.4(RARS1):c.1497G>A (p.Ala499=)

Gene: RARS1 (arginyl-tRNA synthetase 1; plus strand). Cytogenetic location: 5q34.
Variant type: single nucleotide variant.
Coding change: c.1497G>A on transcript NM_002887.4 (MANE Select); coding-DNA position 1497, G replaced by A.
Protein change: p.Ala499=; no amino-acid change (alanine 499 retained).
Molecular consequence: synonymous variant.
Genome position (GRCh38, 1-based): chr5:168,516,822, G>A. VCF-style: chr5-168516822-G-A. GRCh37 (hg19) VCF-style: chr5-167943827-G-A.
Other names: p.Ala499=.
Identifiers: ClinVar variation 380005 (VCV000380005.14), dbSNP rs653568, ClinGen allele CA3549949.